The following is an entry in ClinVar:

ClinVar aggregate classification (germline): Uncertain significance (1 of 4 stars; one submission).

Submission:

GeneDx
Classification: Uncertain significance. Last evaluated: 2024-11-12. Review status: criteria provided, single submitter. Criteria: GeneDx Variant Classification Process June 2021. Collection method: clinical testing. Allele origin: germline. Affected: yes.
Comment: Not observed at significant frequency in large population cohorts (gnomAD); In silico analysis supports that this missense variant has a deleterious effect on protein structure/function; Has not been previously published as pathogenic or benign to our knowledge

NM_001378414.1(HDAC4):c.2885C>G (p.Thr962Arg)

Gene: HDAC4 (histone deacetylase 4; minus strand). Cytogenetic location: 2q37.3.
Variant type: single nucleotide variant.
Coding change: c.2885C>G on transcript NM_001378414.1 (MANE Select); coding-DNA position 2885, C replaced by G.
Protein change: p.Thr962Arg; replaces threonine 962 with arginine.
Molecular consequence: missense variant.
Genome position (GRCh38, 1-based): chr2:239,066,840, G>C on the plus strand (C>G on the coding strand, the complement: HDAC4 is on the minus strand). VCF-style: chr2-239066840-G-C. GRCh37 (hg19) VCF-style: chr2-239988536-G-C.
Other names: c.2885C>G, p.Thr962Arg (NM_001378415.1); c.2870C>G, p.Thr957Arg (NM_001378416.1, NM_001378417.1, NM_006037.4); short protein forms T957R, T962R.
Identifiers: ClinVar variation 3899054 (VCV003899054.1).
Genomic context (GRCh38, chr2:239,066,840, plus strand): 5'-TCGTGGCCTCCCTCGAGGGCCAGGACAATCCGGCCGCCAGCCAGGCCCATCAGCTGCTTC[G>C]TCAGGTACCCGAAGCCTGCAACGGGAAACGGGAGACTGCAGTGTGAACGGGGGAGGACCG-3'
Protein context (NP_001365343.1, residues 952-972): NLSARCFGYL[Thr962Arg]KQLMGLAGGR